The following is an entry in ClinVar:

ClinVar aggregate classification (germline): Uncertain significance (1 of 4 stars; one submission).

Conditions:
Idiopathic generalized epilepsy. Also called: Generalised epilepsy; EIG. Identifiers: MedGen C0270850, MONDO:0005579, OMIM 600669.

Allele frequency attached by ClinVar (database versions not stated): gnomAD exomes 0.00001.
gnomAD v4.1: 14 of 1,613,056 alleles (0.00087%); highest among the groups gnomAD compares: East Asian, 0.0022%; no homozygotes.

Submission:

Labcorp Genetics (formerly Invitae), Labcorp
Classification: Uncertain significance for Idiopathic generalized epilepsy. Last evaluated: 2020-04-23. Review status: criteria provided, single submitter. Criteria: Invitae Variant Classification Sherloc (09022015). Collection method: clinical testing. Allele origin: germline.
Comment: In summary, the available evidence is currently insufficient to determine the role of this variant in disease. Therefore, it has been classified as a Variant of Uncertain Significance. Algorithms developed to predict the effect of missense changes on protein structure and function are either unavailable or do not agree on the potential impact of this missense change (SIFT: "Deleterious"; PolyPhen-2: "Probably Damaging"; Align-GVGD: "Class C0"). This variant has not been reported in the literature in individuals with GABRD-related conditions. This variant is present in population databases (rs562124721, ExAC 0.002%). This sequence change replaces valine with methionine at codon 127 of the GABRD protein (p.Val127Met). The valine residue is highly conserved and there is a small physicochemical difference between valine and methionine.

NM_000815.5(GABRD):c.379G>A (p.Val127Met)

Gene: GABRD (gamma-aminobutyric acid type A receptor subunit delta; plus strand). Cytogenetic location: 1p36.33.
Variant type: single nucleotide variant.
Coding change: c.379G>A on transcript NM_000815.5 (MANE Select); coding-DNA position 379, G replaced by A.
Protein change: p.Val127Met; replaces valine 127 with methionine.
Molecular consequence: missense variant.
Genome position (GRCh38, 1-based): chr1:2,025,647, G>A. VCF-style: chr1-2025647-G-A. GRCh37 (hg19) VCF-style: chr1-1957086-G-A.
Other names: short protein forms V127M.
Identifiers: ClinVar variation 1003363 (VCV001003363.8), dbSNP rs562124721, ClinGen allele CA534626.